The following is an entry in ClinVar:

NM_000334.4(SCN4A):c.4581C>A (p.Ile1527=)

Genes: GH-LCR (growth hormone locus control region; plus strand), SCN4A (sodium voltage-gated channel alpha subunit 4; minus strand). Cytogenetic location: 17q23.3.
Variant type: single nucleotide variant.
Coding change: c.4581C>A on transcript NM_000334.4 (MANE Select); coding-DNA position 4581, C replaced by A.
Protein change: p.Ile1527=; no amino-acid change (isoleucine 1527 retained).
Molecular consequence: synonymous variant.
Genome position (GRCh38, 1-based): chr17:63,941,701, G>T on the plus strand (C>A on the coding strand, the complement: SCN4A is on the minus strand). VCF-style: chr17-63941701-G-T. GRCh37 (hg19) VCF-style: chr17-62019061-G-T.
Identifiers: ClinVar variation 255855 (VCV000255855.16), dbSNP rs752523459, ClinGen allele CA8708941.

ClinVar aggregate classification (germline): Conflicting classifications of pathogenicity. Review status: criteria provided, conflicting classifications (1 of 4 stars). 7 submissions from 3 submitters: Uncertain significance (1); Benign (4); Likely benign (2). Last evaluated 2025-12-03.

Conditions:
Hypokalemic periodic paralysis, type 2 (HOKPP2). Identifiers: Orphanet 681, MedGen C2750061, MONDO:0013234, OMIM 613345.
Potassium-aggravated myotonia. Also called: SODIUM CHANNEL MUSCLE DISEASE; MYOTONIA CONGENITA, ACETAZOLAMIDE-RESPONSIVE; MYOTONIA CONGENITA, ATYPICAL; Myotonia congenita, atypical, acetazolamide-responsive. Identifiers: Orphanet 612, Orphanet 99734, Orphanet 99735, Orphanet 99736, MedGen C2931826, MONDO:0018959, OMIM 608390.
Congenital myasthenic syndrome 16. Identifiers: Orphanet 590, MedGen C3280112, MONDO:0013620, OMIM 614198.
Paramyotonia congenita of Von Eulenburg. Also called: Paramyotonia Congenita; Eulenburg disease; Myotonia congenita intermittens; Von Eulenburg paramyotonia congenita; PARALYSIS PERIODICA PARAMYOTONICA. Identifiers: Orphanet 684, MedGen C0221055, MONDO:0008195, OMIM 168300. Disease mechanism: loss of function.
Hyperkalemic periodic paralysis. Also called: Familial hyperkalemic periodic paralysis; Gamstorp disease. Identifiers: Orphanet 682, MedGen C0238357, MONDO:0008224, OMIM 170500, HP:0007215.

Allele frequency attached by ClinVar (database versions not stated): gnomAD exomes 0.00012; gnomAD 0.00004 and 0.00006; ExAC 0.00006; TOPMed 0.00022.
gnomAD v4.1: 60 of 1,614,142 alleles (0.0037%); highest among the groups gnomAD compares: East Asian, 0.13%; no homozygotes.

Submissions (7):

Labcorp Genetics (formerly Invitae), Labcorp
Classification: Likely benign for Hyperkalemic periodic paralysis. Last evaluated: 2025-12-03. Review status: criteria provided, single submitter. Criteria: Invitae Variant Classification Sherloc (09022015). Collection method: clinical testing. Allele origin: germline.

Illumina Laboratory Services, Illumina
Classification: Uncertain significance for Congenital myasthenic syndrome 16. Last evaluated: 2018-01-13. Review status: criteria provided, single submitter. Criteria: ICSL Variant Classification Criteria 13 December 2019. Collection method: clinical testing. Allele origin: germline.

Illumina Laboratory Services, Illumina
Classification: Benign for Potassium-aggravated myotonia. Last evaluated: 2018-01-13. Review status: criteria provided, single submitter. Criteria: ICSL Variant Classification Criteria 13 December 2019. Collection method: clinical testing. Allele origin: germline.
Comment: This variant was observed in the ICSL laboratory as part of a predisposition screen in an ostensibly healthy population. It had not been previously curated by ICSL or reported in the Human Gene Mutation Database (HGMD: prior to June 1st, 2018), and was therefore a candidate for classification through an automated scoring system. Utilizing variant allele frequency, disease prevalence and penetrance estimates, and inheritance mode, an automated score was calculated to assess if this variant is too frequent to cause the disease. Based on the score and internal cut-off values, a variant classified as benign is not then subjected to further curation. The score for this variant resulted in a classification of benign for this disease.

Illumina Laboratory Services, Illumina
Classification: Benign for Paramyotonia congenita of Von Eulenburg. Last evaluated: 2018-01-13. Review status: criteria provided, single submitter. Criteria: ICSL Variant Classification Criteria 13 December 2019. Collection method: clinical testing. Allele origin: germline.
Comment: the same text as in the submission from Illumina Laboratory Services, Illumina above.

Illumina Laboratory Services, Illumina
Classification: Benign for Hypokalemic periodic paralysis, type 2. Last evaluated: 2018-01-13. Review status: criteria provided, single submitter. Criteria: ICSL Variant Classification Criteria 13 December 2019. Collection method: clinical testing. Allele origin: germline.
Comment: the same text as in the submission from Illumina Laboratory Services, Illumina above.

Illumina Laboratory Services, Illumina
Classification: Benign for Hyperkalemic periodic paralysis. Last evaluated: 2018-01-13. Review status: criteria provided, single submitter. Criteria: ICSL Variant Classification Criteria 13 December 2019. Collection method: clinical testing. Allele origin: germline.
Comment: the same text as in the submission from Illumina Laboratory Services, Illumina above.

PreventionGenetics, part of Exact Sciences
Classification: Likely benign. Review status: criteria provided, single submitter. Criteria: ACMG Guidelines, 2015. Collection method: clinical testing. Allele origin: germline.